The following is an entry in ClinVar:

NM_000410.4(HFE):c.182A>G (p.Tyr61Cys)

Genes: HFE (homeostatic iron regulator; plus strand), HFE-AS1 (HFE antisense RNA 1; minus strand). Cytogenetic location: 6p22.2.
Variant type: single nucleotide variant.
Coding change: c.182A>G on transcript NM_000410.4 (MANE Select); coding-DNA position 182, A replaced by G.
Protein change: p.Tyr61Cys; replaces tyrosine 61 with cysteine.
Molecular consequence: missense variant. On other transcripts: non-coding transcript variant (1), intron variant (4).
Genome position (GRCh38, 1-based): chr6:26,090,946, A>G. VCF-style: chr6-26090946-A-G. GRCh37 (hg19) VCF-style: chr6-26091174-A-G.
Other names: c.182A>G, p.Tyr61Cys (NM_001300749.3, NM_001384164.1, NM_001406751.1 and 3 more transcripts); c.113A>G, p.Tyr38Cys (NM_139009.3); c.77-368A>G (NM_139007.3, NM_139008.3); c.77-1739A>G (NM_139010.3); c.77-2173A>G (NM_139011.3); short protein forms Y38C, Y61C.
Identifiers: ClinVar variation 1499738 (VCV001499738.6), dbSNP rs1684658845, ClinGen allele CA363204700.

ClinVar aggregate classification (germline): Uncertain significance (1 of 4 stars; one submission).

Conditions:
Hereditary hemochromatosis (HFE). Identifiers: MedGen C0392514, MONDO:0006507. Disease mechanism: loss of function.

Allele frequency attached by ClinVar (database versions not stated): gnomAD exomes below 0.00001.
gnomAD v4.1: 3 of 1,614,106 alleles (0.00019%); highest among the groups gnomAD compares: Non-Finnish European, 0.00025%; no homozygotes.

Submission:

Labcorp Genetics (formerly Invitae), Labcorp
Classification: Uncertain significance for Hereditary hemochromatosis. Last evaluated: 2021-08-27. Review status: criteria provided, single submitter. Criteria: Invitae Variant Classification Sherloc (09022015). Collection method: clinical testing. Allele origin: germline.
Comment: This sequence change replaces tyrosine with cysteine at codon 61 of the HFE protein (p.Tyr61Cys). The tyrosine residue is highly conserved and there is a large physicochemical difference between tyrosine and cysteine. This variant is not present in population databases (ExAC no frequency). This variant has not been reported in the literature in individuals affected with HFE-related conditions. Algorithms developed to predict the effect of missense changes on protein structure and function (SIFT, PolyPhen-2, Align-GVGD) all suggest that this variant is likely to be disruptive. In summary, the available evidence is currently insufficient to determine the role of this variant in disease. Therefore, it has been classified as a Variant of Uncertain Significance.